The following is an entry in ClinVar:

NM_017780.4(CHD7):c.1595del (p.Pro532fs)

Gene: CHD7 (chromodomain helicase DNA binding protein 7; plus strand). Cytogenetic location: 8q12.2.
Variant type: Deletion.
Coding change: c.1595del on transcript NM_017780.4 (MANE Select); coding-DNA position 1595, one base deleted (C; older notation c.1595delC).
Protein change: p.Pro532fs; shifts the reading frame from proline 532.
Molecular consequence: frameshift variant.
Genome position (GRCh38, 1-based): chr8:60,743,027, C deleted; the last of 3 consecutive C bases (chr8:60,743,025-60,743,027); deleting any one gives the same sequence. VCF-style (leftmost placement, unchanged base first): chr8-60743024-AC-A. GRCh37 (hg19) VCF-style: chr8-61655583-AC-A.
Other names: c.1595del, p.Pro532fs (NM_001316690.1); short protein forms P532fs.
Identifiers: ClinVar variation 2118940 (VCV002118940.4), dbSNP rs2487285284, ClinGen allele CA2580078446.

ClinVar aggregate classification (germline): Pathogenic (1 of 4 stars; one submission).

Conditions:
CHARGE syndrome (CHARGE). Also called: Hittner Hirsch Kreh syndrome; CHARGE ASSOCIATION--COLOBOMA, HEART ANOMALY, CHOANAL ATRESIA, RETARDATION, GENITAL AND EAR ANOMALIES; Coloboma, heart anomaly, choanal atresia, retardation, genital and ear anomalies; CHARGE association; Hall-Hittner syndrome. Identifiers: Orphanet 138, MedGen C0265354, MONDO:0008965.

Submission:

Labcorp Genetics (formerly Invitae), Labcorp
Classification: Pathogenic for CHARGE syndrome. Last evaluated: 2022-03-28. Review status: criteria provided, single submitter. Criteria: Invitae Variant Classification Sherloc (09022015). Collection method: clinical testing. Allele origin: germline.
Comment: For these reasons, this variant has been classified as Pathogenic. This variant has not been reported in the literature in individuals affected with CHD7-related conditions. This variant is not present in population databases (gnomAD no frequency). This sequence change creates a premature translational stop signal (p.Pro532Leufs*32) in the CHD7 gene. It is expected to result in an absent or disrupted protein product. Loss-of-function variants in CHD7 are known to be pathogenic (PMID: 22461308, 25077900).

Literature cited by the submitters: PubMed 22461308; PubMed 25077900.